The following is an entry in ClinVar:

NM_001366385.1(CARD14):c.211G>A (p.Gly71Arg)

Gene: CARD14 (caspase recruitment domain family member 14; plus strand). Cytogenetic location: 17q25.3.
Variant type: single nucleotide variant.
Coding change: c.211G>A on transcript NM_001366385.1 (MANE Select); coding-DNA position 211, G replaced by A.
Protein change: p.Gly71Arg; replaces glycine 71 with arginine.
Molecular consequence: missense variant. On other transcripts: non-coding transcript variant (1).
Genome position (GRCh38, 1-based): chr17:80,181,649, G>A. VCF-style: chr17-80181649-G-A. GRCh37 (hg19) VCF-style: chr17-78155448-G-A.
Other names: c.211G>A, p.Gly71Arg (NM_001257970.1, NM_024110.4); short protein forms G71R.
Identifiers: ClinVar variation 1442700 (VCV001442700.8), dbSNP rs895516485, ClinGen allele CA294855897.

ClinVar aggregate classification (germline): Uncertain significance (1 of 4 stars; one submission).

Conditions:
Psoriasis 2. Identifiers: MedGen C1864497, MONDO:0011269, OMIM 602723.
Pityriasis rubra pilaris (PRP). Also called: Pityriasis rubra pilaris--familial type. Identifiers: Orphanet 2897, MedGen C0032027, MONDO:0100017, OMIM 173200, MONDO:0008251.

Allele frequency attached by ClinVar (database versions not stated): gnomAD 0.00001 and 0.00003; gnomAD exomes 0.00001 and 0.00002; TOPMed 0.00002; 1000 Genomes Project 30x 0.00016.
gnomAD v4.1: 22 of 1,543,880 alleles (0.0014%); highest among the groups gnomAD compares: East Asian, 0.0049%; no homozygotes.

Submission:

Labcorp Genetics (formerly Invitae), Labcorp
Classification: Uncertain significance for Pityriasis rubra pilaris; Psoriasis 2. Last evaluated: 2025-08-25. Review status: criteria provided, single submitter. Criteria: Invitae Variant Classification Sherloc (09022015). Collection method: clinical testing. Allele origin: germline.
Comment: This sequence change replaces glycine, which is neutral and non-polar, with arginine, which is basic and polar, at codon 71 of the CARD14 protein (p.Gly71Arg). The frequency data for this variant in the population databases is considered unreliable, as metrics indicate poor data quality at this position in the gnomAD database. This variant has not been reported in the literature in individuals affected with CARD14-related conditions. ClinVar contains an entry for this variant (Variation ID: 1442700). Invitae Evidence Modeling of protein sequence and biophysical properties (such as structural, functional, and spatial information, amino acid conservation, physicochemical variation, residue mobility, and thermodynamic stability) has been performed for this missense variant. However, the output from this modeling did not meet the statistical confidence thresholds required to predict the impact of this variant on CARD14 protein function. Algorithms developed to predict the effect of sequence changes on RNA splicing suggest that this variant may disrupt the consensus splice site. In summary, the available evidence is currently insufficient to determine the role of this variant in disease. Therefore, it has been classified as a Variant of Uncertain Significance.